The following is an entry in ClinVar:

ClinVar aggregate classification (germline): Uncertain significance (1 of 4 stars; one submission).

Conditions:
Granulomatous disease, chronic, autosomal recessive, cytochrome b-positive, type 2. Also called: Chronic granulomatous disease due to deficiency of NCF-2; GRANULOMATOUS DISEASE, CHRONIC, AUTOSOMAL RECESSIVE, 2; Chronic Granulomatous Disease, Autosomal Recessive, Cytochrome b-Positive, Type II; CGD, AUTOSOMAL RECESSIVE CYTOCHROME b-POSITIVE, TYPE II; GRANULOMATOUS DISEASE, CHRONIC, DUE TO NCF2 DEFICIENCY. Identifiers: Orphanet 379, MedGen C1856245, MONDO:0009310, OMIM 233710.

Allele frequency attached by ClinVar (database versions not stated): TOPMed below 0.00001; ExAC 0.00001; gnomAD 0.00001; ESP Exome Variant Server 0.00008.

Submission:

Labcorp Genetics (formerly Invitae), Labcorp
Classification: Uncertain significance for Granulomatous disease, chronic, autosomal recessive, cytochrome b-positive, type 2. Last evaluated: 2022-07-22. Review status: criteria provided, single submitter. Criteria: Invitae Variant Classification Sherloc (09022015). Collection method: clinical testing. Allele origin: germline.
Comment: In summary, the available evidence is currently insufficient to determine the role of this variant in disease. Therefore, it has been classified as a Variant of Uncertain Significance. Algorithms developed to predict the effect of missense changes on protein structure and function are either unavailable or do not agree on the potential impact of this missense change (SIFT: "Deleterious"; PolyPhen-2: "Benign"; Align-GVGD: "Class C0"). This variant has not been reported in the literature in individuals affected with NCF2-related conditions. This variant is present in population databases (rs372773130, gnomAD 0.0009%). This sequence change replaces methionine, which is neutral and non-polar, with threonine, which is neutral and polar, at codon 163 of the NCF2 protein (p.Met163Thr).

NM_000433.4(NCF2):c.488T>C (p.Met163Thr)

Gene: NCF2 (neutrophil cytosolic factor 2; minus strand). Cytogenetic location: 1q25.3.
Variant type: single nucleotide variant.
Coding change: c.488T>C on transcript NM_000433.4 (MANE Select); coding-DNA position 488, T replaced by C.
Protein change: p.Met163Thr; replaces methionine 163 with threonine.
Molecular consequence: missense variant. On other transcripts: intron variant (2).
Genome position (GRCh38, 1-based): chr1:183,574,500, A>G on the plus strand (T>C on the coding strand, the complement: NCF2 is on the minus strand). VCF-style: chr1-183574500-A-G. GRCh37 (hg19) VCF-style: chr1-183543635-A-G.
Other names: c.488T>C, p.Met163Thr (NM_001127651.3, NM_001410895.1); c.366+3099T>C (NM_001190789.2); c.367-1208T>C (NM_001190794.2); short protein forms M163T.
Identifiers: ClinVar variation 2010338 (VCV002010338.4), dbSNP rs372773130, ClinGen allele CA1284962.